The following is an entry in ClinVar:

NM_015570.4(AUTS2):c.467G>A (p.Arg156His)

Gene: AUTS2 (activator of transcription and developmental regulator AUTS2; plus strand). Cytogenetic location: 7q11.22.
Variant type: single nucleotide variant.
Coding change: c.467G>A on transcript NM_015570.4 (MANE Select); coding-DNA position 467, G replaced by A.
Protein change: p.Arg156His; replaces arginine 156 with histidine.
Molecular consequence: missense variant.
Genome position (GRCh38, 1-based): chr7:69,899,443, G>A. VCF-style: chr7-69899443-G-A. GRCh37 (hg19) VCF-style: chr7-69364429-G-A.
Other names: c.467G>A, p.Arg156His (NM_001127231.3, NM_001127232.3); c.467G>A (NM_015570.2); short protein forms R156H.
Identifiers: ClinVar variation 624281 (VCV000624281.48), dbSNP rs141278123, ClinGen allele CA4280308.

ClinVar aggregate classification (germline): Likely benign. Review status: criteria provided, multiple submitters, no conflicts (2 of 4 stars). 3 submissions from 3 submitters: Likely benign (3). Last evaluated 2026-07-01.

Conditions:
Inborn genetic diseases. Identifiers: MedGen C0950123, MeSH D030342.

Allele frequency attached by ClinVar (database versions not stated): ExAC 0.00004; TOPMed 0.00010; gnomAD 0.00013; ESP Exome Variant Server 0.00015.
gnomAD v4.1: 152 of 1,613,920 alleles (0.0094%); highest among the groups gnomAD compares: Non-Finnish European, 0.012%; 1 homozygote.

Submissions (3):

CeGaT Center for Human Genetics Tuebingen
Classification: Likely benign. Last evaluated: 2026-07-01. Review status: criteria provided, single submitter. Criteria: CeGaT Center For Human Genetics Tuebingen Variant Classification Criteria Version 2. Collection method: clinical testing. Allele origin: germline. Affected: yes. Observed: 4 variant alleles.
Comment: AUTS2: BS2

Labcorp Genetics (formerly Invitae), Labcorp
Classification: Likely benign. Last evaluated: 2026-01-19. Review status: criteria provided, single submitter. Criteria: Invitae Variant Classification Sherloc (09022015). Collection method: clinical testing. Allele origin: germline.

Ambry Genetics
Classification: Likely benign for Inborn genetic diseases. Last evaluated: 2025-01-02. Review status: criteria provided, single submitter. Criteria: Ambry Variant Classification Scheme 2023. Collection method: clinical testing. Allele origin: germline.